The following is an entry in ClinVar:

NM_000093.5(COL5A1):c.37C>T (p.Leu13Phe)

Gene: COL5A1 (collagen type V alpha 1 chain; plus strand). Cytogenetic location: 9q34.3.
Variant type: single nucleotide variant.
Coding change: c.37C>T on transcript NM_000093.5 (MANE Select); coding-DNA position 37, C replaced by T.
Protein change: p.Leu13Phe; replaces leucine 13 with phenylalanine.
Molecular consequence: missense variant.
Genome position (GRCh38, 1-based): chr9:134,642,224, C>T. VCF-style: chr9-134642224-C-T. GRCh37 (hg19) VCF-style: chr9-137534070-C-T.
Other names: c.37C>T, p.Leu13Phe (NM_001278074.1); short protein forms L13F.
Identifiers: ClinVar variation 365704 (VCV000365704.24), dbSNP rs762625123, ClinGen allele CA5318179.

ClinVar aggregate classification (germline): Likely benign. Review status: criteria provided, multiple submitters, no conflicts (2 of 4 stars). 5 submissions from 5 submitters: Likely benign (5). Last evaluated 2026-02-03.

Conditions:
Ehlers-Danlos syndrome, classic type (cEDS). Identifiers: Orphanet 287, MedGen C4225429, MONDO:0007522.
Familial thoracic aortic aneurysm and aortic dissection (TAAD). Also called: Thoracic aortic aneurysms and dissections. Identifiers: Orphanet 91387, MedGen C4707243, MONDO:0019625.
Ehlers-Danlos syndrome, classic type, 1 (EDSCL1). Also called: EHLERS-DANLOS SYNDROME, GRAVIS TYPE; EHLERS-DANLOS SYNDROME, SEVERE CLASSIC TYPE; Ehlers-Danlos Syndrome, Classic Type, COL5A1-Related; EDS I; Ehlers-Danlos syndrome, type 1. Identifiers: MedGen C0268335, MONDO:0019567, OMIM 130000.

Allele frequency attached by ClinVar (database versions not stated): TOPMed 0.00003; ExAC 0.00118; gnomAD exomes 0.00021 and 0.00012; gnomAD 0.00002 and 0.00004.
gnomAD v4.1: 137 of 1,299,718 alleles (0.011%); highest among the groups gnomAD compares: South Asian, 0.057%; 1 homozygote.

Submissions (5):

Labcorp Genetics (formerly Invitae), Labcorp
Classification: Likely benign for Ehlers-Danlos syndrome, classic type, 1. Last evaluated: 2026-02-03. Review status: criteria provided, single submitter. Criteria: Invitae Variant Classification Sherloc (09022015). Collection method: clinical testing. Allele origin: germline.

Women's Health and Genetics/Laboratory Corporation of America, LabCorp
Classification: Likely benign. Last evaluated: 2024-05-13. Review status: criteria provided, single submitter. Criteria: LabCorp Variant Classification Summary - May 2015. Collection method: clinical testing. Allele origin: germline.

Ambry Genetics
Classification: Likely benign for Familial thoracic aortic aneurysm and aortic dissection. Last evaluated: 2021-06-11. Review status: criteria provided, single submitter. Criteria: Ambry Variant Classification Scheme 2023. Collection method: clinical testing. Allele origin: germline.

GeneDx
Classification: Likely benign. Last evaluated: 2021-01-08. Review status: criteria provided, single submitter. Criteria: GeneDx Variant Classification Process June 2021. Collection method: clinical testing. Allele origin: germline. Affected: yes.

Illumina Laboratory Services, Illumina
Classification: Likely benign for Ehlers-Danlos syndrome, classic type, 1. Last evaluated: 2018-01-13. Review status: criteria provided, single submitter. Criteria: ICSL Variant Classification Criteria 13 December 2019. Collection method: clinical testing. Allele origin: germline.
Comment: This variant was observed in the ICSL laboratory as part of a predisposition screen in an ostensibly healthy population. It had not been previously curated by ICSL or reported in the Human Gene Mutation Database (HGMD: prior to June 1st, 2018), and was therefore a candidate for classification through an automated scoring system. Utilizing variant allele frequency, disease prevalence and penetrance estimates, and inheritance mode, an automated score was calculated to assess if this variant is too frequent to cause the disease. Based on the score and internal cut-off values, a variant classified as likely benign is not then subjected to further curation. The score for this variant resulted in a classification of likely benign for this disease.